The following is an entry in ClinVar:

ClinVar aggregate classification (germline): Uncertain significance. Review status: criteria provided, multiple submitters, no conflicts (2 of 4 stars). 2 submissions from 2 submitters: Uncertain significance (2). Last evaluated 2024-05-28.

Allele frequency attached by ClinVar (database versions not stated): gnomAD exomes below 0.00001; gnomAD 0.00001.
gnomAD v4.1: 4 of 1,613,710 alleles (0.00025%); highest among the groups gnomAD compares: Admixed American, 0.0033%; no homozygotes.

Submissions (2):

Ambry Genetics
Classification: Uncertain significance. Last evaluated: 2024-05-28. Review status: criteria provided, single submitter. Criteria: Ambry Variant Classification Scheme 2023. Collection method: clinical testing. Allele origin: germline.
Comment: The p.S230G variant (also known as c.688A>G), located in coding exon 5 of the RINT1 gene, results from an A to G substitution at nucleotide position 688. The serine at codon 230 is replaced by glycine, an amino acid with similar properties. This amino acid position is conserved. In addition, this alteration is predicted to be tolerated by in silico analysis. Since supporting evidence is limited at this time, the clinical significance of this alteration remains unclear.

Labcorp Genetics (formerly Invitae), Labcorp
Classification: Uncertain significance. Last evaluated: 2022-10-05. Review status: criteria provided, single submitter. Criteria: Invitae Variant Classification Sherloc (09022015). Collection method: clinical testing. Allele origin: germline.
Comment: In summary, the available evidence is currently insufficient to determine the role of this variant in disease. Therefore, it has been classified as a Variant of Uncertain Significance. Algorithms developed to predict the effect of sequence changes on RNA splicing suggest that this variant may disrupt the consensus splice site. Algorithms developed to predict the effect of missense changes on protein structure and function are either unavailable or do not agree on the potential impact of this missense change (SIFT: "Deleterious"; PolyPhen-2: "Benign"; Align-GVGD: "Class C0"). This variant has not been reported in the literature in individuals affected with RINT1-related conditions. This variant is not present in population databases (gnomAD no frequency). This sequence change replaces serine, which is neutral and polar, with glycine, which is neutral and non-polar, at codon 230 of the RINT1 protein (p.Ser230Gly).

NM_021930.6(RINT1):c.688A>G (p.Ser230Gly)

Gene: RINT1 (RAD50 interactor 1; plus strand). Cytogenetic location: 7q22.3.
Variant type: single nucleotide variant.
Coding change: c.688A>G on transcript NM_021930.6 (MANE Select); coding-DNA position 688, A replaced by G.
Protein change: p.Ser230Gly; replaces serine 230 with glycine.
Molecular consequence: missense variant. On other transcripts: 5 prime UTR variant (2), non-coding transcript variant (1), intron variant (1).
Genome position (GRCh38, 1-based): chr7:105,547,082, A>G. VCF-style: chr7-105547082-A-G. GRCh37 (hg19) VCF-style: chr7-105187529-A-G.
Other names: c.454A>G, p.Ser152Gly (NM_001346599.2); c.-332A>G (NM_001346600.2); c.-235A>G (NM_001346601.2); c.-27-2973A>G (NM_001346603.2); short protein forms S230G, S152G.
Identifiers: ClinVar variation 1755976 (VCV001755976.7), dbSNP rs1245937291, ClinGen allele CA368806137.